The following is an entry in ClinVar:

ClinVar aggregate classification (germline): Pathogenic (1 of 4 stars; one submission).

Submission:

Labcorp Genetics (formerly Invitae), Labcorp
Classification: Pathogenic. Last evaluated: 2022-11-23. Review status: criteria provided, single submitter. Criteria: Invitae Variant Classification Sherloc (09022015). Collection method: clinical testing. Allele origin: germline.
Comment: This sequence change creates a premature translational stop signal (p.Thr543Asnfs*6) in the ACAN gene. It is expected to result in an absent or disrupted protein product. Loss-of-function variants in ACAN are known to be pathogenic (PMID: 16080123, 24762113). This variant is not present in population databases (gnomAD no frequency). This variant has not been reported in the literature in individuals affected with ACAN-related conditions. For these reasons, this variant has been classified as Pathogenic.

Literature cited by the submitters: PubMed 16080123; PubMed 24762113.

NM_001369268.1(ACAN):c.1627dup (p.Thr543fs)

Gene: ACAN (aggrecan; plus strand). Cytogenetic location: 15q26.1.
Variant type: Duplication.
Coding change: c.1627dup on transcript NM_001369268.1 (MANE Select); coding-DNA position 1627, one base duplicated (A; older notation c.1627dupA).
Protein change: p.Thr543fs; shifts the reading frame from threonine 543.
Molecular consequence: frameshift variant.
Genome position (GRCh38, 1-based): chr15:88,847,933, A duplicated. VCF-style (leftmost placement, unchanged base first): chr15-88847932-G-GA. GRCh37 (hg19) VCF-style: chr15-89391163-G-GA.
Other names: c.1627dup, p.Thr543fs (NM_001135.4, NM_001411096.1, NM_001411097.1 and 1 more transcripts); short protein forms T543fs.
Identifiers: ClinVar variation 2815930 (VCV002815930.3), dbSNP rs2505275760, ClinGen allele CA2739269701.
Genomic context (GRCh38, chr15:88,847,932, plus strand): 5'-GAACAGGCCTTCATCTTCTCCTCCCACTCTCCTTTGCAGATACCCCATTGTGAGCCCCCG[G>GA]ACCCCATGCGTGGGTGACAAGGACAGCAGCCCAGGGGTCAGGACCTATGGCGTGCGCCCA-3'